The following is an entry in ClinVar:

ClinVar aggregate classification (germline): Uncertain significance (1 of 4 stars; one submission).

Conditions:
Inborn genetic diseases. Identifiers: MedGen C0950123, MeSH D030342.

Allele frequency attached by ClinVar (database versions not stated): gnomAD exomes below 0.00001.
gnomAD v4.1: 1 of 1,609,362 alleles (0.000062%); highest among the groups gnomAD compares: Non-Finnish European, 0.000085%; no homozygotes.

Submission:

Ambry Genetics
Classification: Uncertain significance for Inborn genetic diseases. Last evaluated: 2023-03-19. Review status: criteria provided, single submitter. Criteria: Ambry Variant Classification Scheme 2023. Collection method: clinical testing. Allele origin: germline.
Comment: The p.I391V variant (also known as c.1171A>G), located in coding exon 6 of the PIK3CA gene, results from an A to G substitution at nucleotide position 1171. The isoleucine at codon 391 is replaced by valine, an amino acid with highly similar properties. This amino acid position is conserved. In addition, this alteration is predicted to be tolerated by in silico analysis. Since supporting evidence is limited at this time, the clinical significance of this alteration remains unclear.

NM_006218.4(PIK3CA):c.1171A>G (p.Ile391Val)

Gene: PIK3CA (phosphatidylinositol-4,5-bisphosphate 3-kinase catalytic subunit alpha; plus strand). Cytogenetic location: 3q26.32.
Variant type: single nucleotide variant.
Coding change: c.1171A>G on transcript NM_006218.4 (MANE Select); coding-DNA position 1171, A replaced by G.
Protein change: p.Ile391Val; replaces isoleucine 391 with valine.
Molecular consequence: missense variant.
Genome position (GRCh38, 1-based): chr3:179,209,620, A>G. VCF-style: chr3-179209620-A-G. GRCh37 (hg19) VCF-style: chr3-178927408-A-G.
Other names: short protein forms I391V.
Identifiers: ClinVar variation 2567719 (VCV002567719.2), dbSNP rs2473509171, ClinGen allele CA355261352.
Genomic context (GRCh38, chr3:179,209,620, plus strand): 5'-TTGATGTATTATTTTTGCTTTAAAATTTTACATAGGTGGAATGAATGGCTGAATTATGAT[A>G]TATACATTCCTGATCTTCCTCGTGCTGCTCGACTTTGCCTTTCCATTTGCTCTGTTAAAG-3'
Protein context (NP_006209.2, residues 381-401): PRWNEWLNYD[Ile391Val]YIPDLPRAAR